The following is an entry in ClinVar:

NM_015295.3(SMCHD1):c.2728G>A (p.Gly910Ser)

Gene: SMCHD1 (structural maintenance of chromosomes flexible hinge domain containing 1; plus strand). Cytogenetic location: 18p11.32.
Variant type: single nucleotide variant.
Coding change: c.2728G>A on transcript NM_015295.3 (MANE Select); coding-DNA position 2728, G replaced by A.
Protein change: p.Gly910Ser; replaces glycine 910 with serine.
Molecular consequence: missense variant.
Genome position (GRCh38, 1-based): chr18:2,726,479, G>A. VCF-style: chr18-2726479-G-A. GRCh37 (hg19) VCF-style: chr18-2726477-G-A.
Other names: short protein forms G910S.
Identifiers: ClinVar variation 2764931 (VCV002764931.3), dbSNP rs2075029861, ClinGen allele CA401682500.

ClinVar aggregate classification (germline): Uncertain significance (1 of 4 stars; one submission).

Conditions:
Facioscapulohumeral muscular dystrophy 2 (FSHD2). Also called: MUSCULAR DYSTROPHY, FACIOSCAPULOHUMERAL, TYPE 1B; FACIOSCAPULOHUMERAL MUSCULAR DYSTROPHY 2, DIGENIC; FSHD2, DIGENIC. Identifiers: Orphanet 269, MedGen C1834671, MONDO:0008031, OMIM 158901.

Submission:

Labcorp Genetics (formerly Invitae), Labcorp
Classification: Uncertain significance for Facioscapulohumeral muscular dystrophy 2. Last evaluated: 2023-10-03. Review status: criteria provided, single submitter. Criteria: Invitae Variant Classification Sherloc (09022015). Collection method: clinical testing. Allele origin: germline.
Comment: This sequence change replaces glycine, which is neutral and non-polar, with serine, which is neutral and polar, at codon 910 of the SMCHD1 protein (p.Gly910Ser). This variant is not present in population databases (gnomAD no frequency). This variant has not been reported in the literature in individuals affected with SMCHD1-related conditions. Advanced modeling of protein sequence and biophysical properties (such as structural, functional, and spatial information, amino acid conservation, physicochemical variation, residue mobility, and thermodynamic stability) performed at Invitae indicates that this missense variant is not expected to disrupt SMCHD1 protein function. In summary, the available evidence is currently insufficient to determine the role of this variant in disease. Therefore, it has been classified as a Variant of Uncertain Significance.